The following is an entry in ClinVar:

NM_001145809.2(MYH14):c.415G>A (p.Gly139Ser)

Gene: MYH14 (myosin heavy chain 14; plus strand). Cytogenetic location: 19q13.33.
Variant type: single nucleotide variant.
Coding change: c.415G>A on transcript NM_001145809.2 (MANE Select); coding-DNA position 415, G replaced by A.
Protein change: p.Gly139Ser; replaces glycine 139 with serine.
Molecular consequence: missense variant.
Genome position (GRCh38, 1-based): chr19:50,217,624, G>A. VCF-style: chr19-50217624-G-A. GRCh37 (hg19) VCF-style: chr19-50720881-G-A.
Other names: c.415G>A, p.Gly139Ser (NM_001077186.2, NM_024729.4); short protein forms G139S.
Identifiers: ClinVar variation 1050760 (VCV001050760.1), dbSNP rs768207483, ClinGen allele CA9592259.

ClinVar aggregate classification (germline): Uncertain significance (0 of 4 stars; one submission).

Allele frequency attached by ClinVar (database versions not stated): gnomAD exomes below 0.00001; TOPMed below 0.00001; ExAC 0.00001.
gnomAD v4.1: 3 of 1,614,020 alleles (0.00019%); highest among the groups gnomAD compares: East Asian, 0.0022%; no homozygotes.

Submission:

Department of Pathology and Laboratory Medicine, Sinai Health System
Classification: Uncertain significance. Review status: no assertion criteria provided. Collection method: clinical testing. Allele origin: unknown. Affected: yes. Study: The Canadian Open Genetics Repository (COGR).
Comment: The MYH14 p.Gly139Ser variant was not identified in the literature nor was it identified in ClinVar or LOVD 3.0. The variant was identified in dbSNP (ID: rs768207483) and in control databases in 1 of 249456 chromosomes at a frequency of 0.000004009 (Genome Aggregation Database March 6, 2019, v2.1.1). The variant was observed in the European (non-Finnish) population in 1 of 113076 chromosomes (freq: 0.000009), but was not observed in the African, Latino, Ashkenazi Jewish, East Asian, European (Finnish), Other, or South Asian populations. The p.Gly139 residue is conserved across mammals and other organisms, and computational analyses (PolyPhen-2, SIFT, AlignGVGD, BLOSUM, MutationTaster) suggest that the variant may impact the protein; however, this information is not predictive enough to assume pathogenicity. The variant occurs outside of the splicing consensus sequence and in silico or computational prediction software programs (SpliceSiteFinder, MaxEntScan, NNSPLICE, GeneSplicer) do not predict a difference in splicing. In summary, based on the above information the clinical significance of this variant cannot be determined with certainty at this time. This variant is classified as a variant of uncertain significance.